The following is an entry in ClinVar:

ClinVar aggregate classification (germline): Uncertain significance (1 of 4 stars; one submission).

Conditions:
Long QT syndrome 11 (LQT11). Identifiers: Orphanet 101016, Orphanet 768, MedGen C2678483, MONDO:0012738, OMIM 611820.

Submission:

Baylor Genetics
Classification: Uncertain significance for Long QT syndrome 11. Last evaluated: 2018-05-03. Review status: criteria provided, single submitter. Criteria: ACMG Guidelines, 2015. Collection method: clinical testing. Allele origin: maternal. Affected: yes.
Comment: This variant was determined to be of uncertain significance according to ACMG Guidelines, 2015 [PMID:25741868].

NM_005751.5(AKAP9):c.9838C>G (p.Gln3280Glu)

Gene: AKAP9 (A-kinase anchoring protein 9; plus strand). Cytogenetic location: 7q21.2.
Variant type: single nucleotide variant.
Coding change: c.9838C>G on transcript NM_005751.5 (MANE Select); coding-DNA position 9838, C replaced by G.
Protein change: p.Gln3280Glu; replaces glutamine 3280 with glutamic acid.
Molecular consequence: missense variant.
Genome position (GRCh38, 1-based): chr7:92,096,797, C>G. VCF-style: chr7-92096797-C-G. GRCh37 (hg19) VCF-style: chr7-91726111-C-G.
Other names: c.4483C>G, p.Gln1495Glu (NM_001379277.1); c.9814C>G, p.Gln3272Glu (NM_147185.3); short protein forms Q1495E, Q3272E, Q3280E.
Identifiers: ClinVar variation 1031572 (VCV001031572.1), dbSNP rs1816657238, ClinGen allele CA368151628.